The following is an entry in ClinVar:

ClinVar aggregate classification (germline): Uncertain significance (1 of 4 stars; one submission).

Submission:

Labcorp Genetics (formerly Invitae), Labcorp
Classification: Uncertain significance. Last evaluated: 2023-08-08. Review status: criteria provided, single submitter. Criteria: Invitae Variant Classification Sherloc (09022015). Collection method: clinical testing. Allele origin: unknown.
Comment: In summary, the available evidence is currently insufficient to determine the role of this variant in disease. Therefore, it has been classified as a Variant of Uncertain Significance. This variant has not been reported in the literature in individuals affected with DOCK8-related conditions. This variant results in a copy number gain of the genomic region encompassing exon(s) 29-48 of the DOCK8 gene. This region includes the termination codon of the gene. This copy number gain extends beyond the assayed region for this gene and therefore may encompass additional genes. As the precise location of this event is unknown, it may be in tandem or it may be located elsewhere in the genome.

NC_000009.11:g.(?_414762)_(464219_?)dup

Gene: DOCK8 (dedicator of cytokinesis 8; plus strand). Cytogenetic location: 9p24.3.
Variant type: Duplication.
Identifiers: ClinVar variation 3245226 (VCV003245226.1).